The following is an entry in ClinVar:

NM_031844.3(HNRNPU):c.1639del (p.Ala547fs)

Gene: HNRNPU (heterogeneous nuclear ribonucleoprotein U; minus strand). Cytogenetic location: 1q44.
Variant type: Deletion.
Coding change: c.1639del on transcript NM_031844.3 (MANE Select); coding-DNA position 1639, one base deleted (G; older notation c.1639delG).
Protein change: p.Ala547fs; shifts the reading frame from alanine 547.
Molecular consequence: frameshift variant.
Genome position (GRCh38, 1-based): chr1:244,856,832, C deleted on the plus strand (G on the coding strand, the reverse complement: HNRNPU is on the minus strand); the first of 2 consecutive C bases (chr1:244,856,832-244,856,833); deleting either gives the same sequence. VCF-style (leftmost placement, unchanged base first): chr1-244856831-GC-G. GRCh37 (hg19) VCF-style: chr1-245020133-GC-G.
Other names: c.1582del, p.Ala528fs (NM_004501.3); short protein forms A528fs, A547fs.
Identifiers: ClinVar variation 2023576 (VCV002023576.4), dbSNP rs2527506327, ClinGen allele CA2580063528.

ClinVar aggregate classification (germline): Pathogenic (1 of 4 stars; one submission).

Conditions:
Developmental and epileptic encephalopathy, 54. Also called: HNRNPU-Related Neurodevelopmental Disorder; Epileptic encephalopathy, early infantile, 54. Identifiers: MedGen C4479319, MONDO:0033363, OMIM 617391.

Submission:

Labcorp Genetics (formerly Invitae), Labcorp
Classification: Pathogenic for Developmental and epileptic encephalopathy, 54. Last evaluated: 2022-08-11. Review status: criteria provided, single submitter. Criteria: Invitae Variant Classification Sherloc (09022015). Collection method: clinical testing. Allele origin: germline.
Comment: For these reasons, this variant has been classified as Pathogenic. This variant has not been reported in the literature in individuals affected with HNRNPU-related conditions. This variant is not present in population databases (gnomAD no frequency). This sequence change creates a premature translational stop signal (p.Ala547Glnfs*6) in the HNRNPU gene. It is expected to result in an absent or disrupted protein product. Loss-of-function variants in HNRNPU are known to be pathogenic (PMID: 22678713, 28283832).

Literature cited by the submitters: PubMed 22678713; PubMed 28283832.